The following is an entry in ClinVar:

ClinVar aggregate classification (germline): Pathogenic. Review status: criteria provided, multiple submitters, no conflicts (2 of 4 stars). 2 submissions from 2 submitters: Pathogenic (2). Last evaluated 2025-05-08.

Conditions:
Retinal dystrophy. Also called: Inherited retinal dystrophy. Identifiers: Orphanet 71862, MedGen C0854723, MeSH D058499, MONDO:0019118, HP:0000556.
Leber congenital amaurosis (LCA). Also called: Leber's amaurosis. Identifiers: Orphanet 65, MedGen C0339527, MeSH D057130, MONDO:0018998.

Submissions (2):

Natera, Inc.
Classification: Pathogenic for Leber congenital amaurosis. Last evaluated: 2025-05-08. Review status: criteria provided, single submitter. Criteria: Natera Variant Classification Schema (03/2026). Collection method: clinical testing. Allele origin: germline.
Comment: The c.3310-1G>C variant in CEP290 is a canonical splice acceptor site variant predicted to affect pre-mRNA splicing, which may result in an abnormal transcript and altered protein product. This variant is expected to result in nonsense mediated decay, truncation, or a dysfunctional protein product. This variant is rare in the general population with a frequency below the threshold expected for the associated phenotype(s). This variant has been observed in one or more individuals affected with the associated recessive disease, as either homozygous or compound heterozygous with a second variant (PMID: 37240262). Given the available evidence, this variant is classified as Pathogenic.

Institute of Human Genetics, Univ. Regensburg, Univ. Regensburg
Classification: Pathogenic for Retinal dystrophy. Last evaluated: 2010-01-01. Review status: criteria provided, single submitter. Criteria: ACMG Guidelines, 2015. Collection method: clinical testing. Allele origin: germline. Affected: yes.

Literature cited by the submitters: PubMed 37240262 (cited by Natera, Inc.); PubMed 17409309 (cited by Institute of Human Genetics, Univ. Regensburg, Univ. Regensburg); PubMed 25525159 (cited by Institute of Human Genetics, Univ. Regensburg, Univ. Regensburg); PubMed 31734136 (cited by Institute of Human Genetics, Univ. Regensburg, Univ. Regensburg).

NM_025114.4(CEP290):c.3310-1G>C

Gene: CEP290 (centrosomal protein 290; minus strand). Cytogenetic location: 12q21.32.
Variant type: single nucleotide variant.
Coding change: c.3310-1G>C on transcript NM_025114.4 (MANE Select); the canonical splice acceptor site of the intron before coding-DNA position 3310, G replaced by C.
Molecular consequence: splice acceptor variant.
Genome position (GRCh38, 1-based): chr12:88,092,833, C>G on the plus strand (G>C on the coding strand, the complement: CEP290 is on the minus strand). VCF-style: chr12-88092833-C-G. GRCh37 (hg19) VCF-style: chr12-88486610-C-G.
Other names: c.3310-1G>C (NM_025114.3).
Identifiers: ClinVar variation 3250000 (VCV003250000.3).